The following is an entry in ClinVar:

ClinVar aggregate classification (germline): Pathogenic (1 of 4 stars; one submission).

Conditions:
Joubert syndrome. Also called: CEREBELLOPARENCHYMAL DISORDER IV; JOUBERT-BOLTSHAUSER SYNDROME; Familial aplasia of the vermis. Identifiers: Orphanet 475, MedGen C5979921, MONDO:0018772.
Meckel-Gruber syndrome. Also called: DYSENCEPHALIA SPLANCHNOCYSTICA; GRUBER SYNDROME; Dysencephalia splachnocystica. Identifiers: Orphanet 564, MedGen C0265215, MONDO:0018921.

Submission:

Labcorp Genetics (formerly Invitae), Labcorp
Classification: Pathogenic for Joubert syndrome; Meckel-Gruber syndrome. Last evaluated: 2024-02-06. Review status: criteria provided, single submitter. Criteria: Invitae Variant Classification Sherloc (09022015). Collection method: clinical testing. Allele origin: germline.
Comment: This sequence change creates a premature translational stop signal (p.Val387Cysfs*10) in the RPGRIP1L gene. It is expected to result in an absent or disrupted protein product. Loss-of-function variants in RPGRIP1L are known to be pathogenic (PMID: 17558409). This variant is not present in population databases (gnomAD no frequency). This variant has not been reported in the literature in individuals affected with RPGRIP1L-related conditions. For these reasons, this variant has been classified as Pathogenic.

Literature cited by the submitters: PubMed 17558409.

NM_015272.5(RPGRIP1L):c.1158del (p.Val387fs)

Gene: RPGRIP1L (RPGRIP1 like; minus strand). Cytogenetic location: 16q12.2.
Variant type: Deletion.
Coding change: c.1158del on transcript NM_015272.5 (MANE Select); coding-DNA position 1158, one base deleted (A; older notation c.1158delA).
Protein change: p.Val387fs; shifts the reading frame from valine 387.
Molecular consequence: frameshift variant.
Genome position (GRCh38, 1-based): chr16:53,664,955, T deleted on the plus strand (A on the coding strand, the reverse complement: RPGRIP1L is on the minus strand); the first of 3 consecutive T bases (chr16:53,664,955-53,664,957); deleting any one gives the same sequence. VCF-style (leftmost placement, unchanged base first): chr16-53664954-CT-C. GRCh37 (hg19) VCF-style: chr16-53698866-CT-C.
Other names: c.1158del, p.Val387fs (NM_001127897.4, NM_001308334.3, NM_001330538.2); short protein forms V387fs.
Identifiers: ClinVar variation 3754448 (VCV003754448.2).